The following is an entry in ClinVar:

NM_000194.3(HPRT1):c.532+1G>A

Gene: HPRT1 (hypoxanthine phosphoribosyltransferase 1; plus strand). Cytogenetic location: Xq26.2.
Variant type: single nucleotide variant.
Coding change: c.532+1G>A on transcript NM_000194.3 (MANE Select); the canonical splice donor site of the intron after coding-DNA position 532, G replaced by A.
Molecular consequence: splice donor variant.
Genome position (GRCh38, 1-based): chrX:134,498,437, G>A. VCF-style: chrX-134498437-G-A. GRCh37 (hg19) VCF-style: chrX-133632467-G-A.
Identifiers: ClinVar variation 3252507 (VCV003252507.2), dbSNP rs2520839861.

ClinVar aggregate classification (germline): Pathogenic. Review status: criteria provided, multiple submitters, no conflicts (2 of 4 stars). 2 submissions from 2 submitters: Pathogenic (2). Last evaluated 2023-12-07.

Conditions:
HPRT1-related disorder. Also called: HPRT1-related condition; HPRT1-related disorders.

Submissions (2):

GeneDx
Classification: Pathogenic. Last evaluated: 2023-12-07. Review status: criteria provided, single submitter. Criteria: GeneDx Variant Classification Process June 2021. Collection method: clinical testing. Allele origin: germline. Affected: yes.
Comment: Reported in a patient with Lesch-Nyhan syndrome in published literature (PMID: 11018746); Canonical splice site variant predicted to result in skipping of exon 7 in a gene for which loss of function is a known mechanism of disease (PMID: 11018746); Not observed at significant frequency in large population cohorts (gnomAD); This variant is associated with the following publications: (PMID: 25525159, 28192196, 11018746)

Blueprint Genetics
Classification: Pathogenic for HPRT1-related disorders. Last evaluated: 2022-09-09. Review status: criteria provided, single submitter. Criteria: ACMG Guidelines, 2015. Collection method: clinical testing. Allele origin: germline. Affected: yes. Observed: 1 variant allele.